The following is an entry in ClinVar:

NM_181872.6(DMRT2):c.1283C>T (p.Ala428Val)

Gene: DMRT2 (doublesex and mab-3 related transcription factor 2; plus strand). Cytogenetic location: 9p24.3.
Variant type: single nucleotide variant.
Coding change: c.1283C>T on transcript NM_181872.6 (MANE Select); coding-DNA position 1283, C replaced by T.
Protein change: p.Ala428Val; replaces alanine 428 with valine.
Molecular consequence: missense variant. On other transcripts: 3 prime UTR variant (4), non-coding transcript variant (1).
Genome position (GRCh38, 1-based): chr9:1,056,870, C>T. VCF-style: chr9-1056870-C-T. GRCh37 (hg19) VCF-style: chr9-1056870-C-T.
Other names: c.*680C>T (NM_001130865.3, NM_001370533.1, NM_001387557.1); c.761C>T, p.Ala254Val (NM_001370532.1); c.1283C>T, p.Ala428Val (NM_001387558.1, NM_001387559.1); c.584C>T, p.Ala195Val (NM_001387560.1); c.*1096C>T (NM_006557.7); short protein forms A195V, A254V, A428V.
Identifiers: ClinVar variation 5038507 (VCV005038507.1).

ClinVar aggregate classification (germline): Benign (1 of 4 stars; one submission).

gnomAD v4.1: 21,808 of 1,614,146 alleles (1.4%); highest among the groups gnomAD compares: Middle Eastern, 2.2%; 199 homozygotes.

Submission:

CeGaT Center for Human Genetics Tuebingen
Classification: Benign. Last evaluated: 2026-09-01. Review status: criteria provided, single submitter. Criteria: CeGaT Center For Human Genetics Tuebingen Variant Classification Criteria Version 2. Collection method: clinical testing. Allele origin: germline. Affected: yes. Observed: 3 variant alleles.
Comment: DMRT2: BS1, BS2